The following is an entry in ClinVar:

ClinVar aggregate classification (germline): Uncertain significance (1 of 4 stars; one submission).

Allele frequency attached by ClinVar (database versions not stated): gnomAD 0.00001; TOPMed 0.00001.
gnomAD v4.1: 2 of 1,613,720 alleles (0.00012%); highest among the groups gnomAD compares: Non-Finnish European, 0.00017%; no homozygotes.

Submission:

Labcorp Genetics (formerly Invitae), Labcorp
Classification: Uncertain significance. Last evaluated: 2023-02-05. Review status: criteria provided, single submitter. Criteria: Invitae Variant Classification Sherloc (09022015). Collection method: clinical testing. Allele origin: germline.
Comment: This sequence change replaces lysine, which is basic and polar, with methionine, which is neutral and non-polar, at codon 712 of the CACNA2D4 protein (p.Lys712Met). In summary, the available evidence is currently insufficient to determine the role of this variant in disease. Therefore, it has been classified as a Variant of Uncertain Significance. Algorithms developed to predict the effect of missense changes on protein structure and function output the following: SIFT: "Tolerated"; PolyPhen-2: "Benign"; Align-GVGD: "Class C0". The methionine amino acid residue is found in multiple mammalian species, which suggests that this missense change does not adversely affect protein function. This variant has not been reported in the literature in individuals affected with CACNA2D4-related conditions. This variant is not present in population databases (gnomAD no frequency).

NM_172364.5(CACNA2D4):c.2135A>T (p.Lys712Met)

Gene: CACNA2D4 (calcium voltage-gated channel auxiliary subunit alpha2delta 4; minus strand). Cytogenetic location: 12p13.33.
Variant type: single nucleotide variant.
Coding change: c.2135A>T on transcript NM_172364.5 (MANE Select); coding-DNA position 2135, A replaced by T.
Protein change: p.Lys712Met; replaces lysine 712 with methionine.
Molecular consequence: missense variant.
Genome position (GRCh38, 1-based): chr12:1,856,029, T>A on the plus strand (A>T on the coding strand, the complement: CACNA2D4 is on the minus strand). VCF-style: chr12-1856029-T-A. GRCh37 (hg19) VCF-style: chr12-1965195-T-A.
Other names: short protein forms K712M.
Identifiers: ClinVar variation 2834871 (VCV002834871.3), dbSNP rs1257704662, ClinGen allele CA383349036.
Genomic context (GRCh38, chr12:1,856,029, plus strand): 5'-GCCCCAGAGGAAAAGCTTGCCTCAGTGGGCGGCCAGCACTCACACTCCAGGTCTGGGTCC[T>A]TCCTGGTGAGGAAGCGGATCATGGCCTCTAGCTGGCTGAGCTTCCGGTGGTCTGGGTCAA-3'
Protein context (NP_758952.4, residues 702-722): LEAMIRFLTR[Lys712Met]DPDLECDEEL